The following is an entry in ClinVar:

NM_001099403.2(PRDM8):c.1011A>C (p.Val337=)

Gene: PRDM8 (PR/SET domain 8; plus strand). Cytogenetic location: 4q21.21.
Variant type: single nucleotide variant.
Coding change: c.1011A>C on transcript NM_001099403.2 (MANE Select); coding-DNA position 1011, A replaced by C.
Protein change: p.Val337=; no amino-acid change (valine 337 retained).
Molecular consequence: synonymous variant.
Genome position (GRCh38, 1-based): chr4:80,202,473, A>C. VCF-style: chr4-80202473-A-C. GRCh37 (hg19) VCF-style: chr4-81123627-A-C.
Other names: c.1011A>C, p.Val337= (NM_020226.4).
Identifiers: ClinVar variation 778539 (VCV000778539.13), dbSNP rs755114294, ClinGen allele CA2982369.
Genomic context (GRCh38, chr4:80,202,473, plus strand): 5'-GGAGGAGGCGGCGGAGGGCGGCGGTGGCGCTGGTCTGGTAGGGGGCCGGGGCCGCTTCGT[A>C]GAGCGGCCCCTCCCGGCCTCCAAGGAGGATCTGGTGTGCACACCGCAGCAGTACCGAGCC-3'
Protein context (NP_001092873.1, residues 327-347): AGLVGGRGRF[Val337=]ERPLPASKED

ClinVar aggregate classification (germline): Benign/Likely benign. Review status: criteria provided, multiple submitters, no conflicts (2 of 4 stars). 2 submissions from 2 submitters: Benign (1); Likely benign (1). Last evaluated 2026-06-01.

Conditions:
Early-onset Lafora body disease. Also called: Epilepsy, progressive myoclonic, 10. Identifiers: Orphanet 324290, MedGen C4225258, MONDO:0014717, OMIM 616640.

Allele frequency attached by ClinVar (database versions not stated): ExAC 0.00009; gnomAD exomes 0.00010 and 0.00018; 1000 Genomes Project 30x 0.00078; gnomAD 0.00132 and 0.00142; TOPMed 0.00144.
gnomAD v4.1: 340 of 1,494,892 alleles (0.023%); highest among the groups gnomAD compares: African/African-American, 0.43%; no homozygotes.

Submissions (2):

CeGaT Center for Human Genetics Tuebingen
Classification: Likely benign. Last evaluated: 2026-06-01. Review status: criteria provided, single submitter. Criteria: CeGaT Center For Human Genetics Tuebingen Variant Classification Criteria Version 2. Collection method: clinical testing. Allele origin: germline. Affected: yes. Observed: 1 variant allele.
Comment: PRDM8: BP4, BP7

Labcorp Genetics (formerly Invitae), Labcorp
Classification: Benign for Early-onset Lafora body disease. Last evaluated: 2025-12-28. Review status: criteria provided, single submitter. Criteria: Invitae Variant Classification Sherloc (09022015). Collection method: clinical testing. Allele origin: germline.